The following is an entry in ClinVar:

ClinVar aggregate classification (germline): Likely benign (1 of 4 stars; one submission).

gnomAD v4.1: 6 of 1,614,014 alleles (0.00037%); highest among the groups gnomAD compares: Non-Finnish European, 0.00051%; no homozygotes.

Submission:

CeGaT Center for Human Genetics Tuebingen
Classification: Likely benign. Last evaluated: 2026-01-01. Review status: criteria provided, single submitter. Criteria: CeGaT Center For Human Genetics Tuebingen Variant Classification Criteria Version 2. Collection method: clinical testing. Allele origin: germline. Affected: yes. Observed: 1 variant allele.
Comment: ASXL3: BP4

NM_030632.3(ASXL3):c.4316A>C (p.Lys1439Thr)

Gene: ASXL3 (ASXL transcriptional regulator 3; plus strand). Cytogenetic location: 18q12.1.
Variant type: single nucleotide variant.
Coding change: c.4316A>C on transcript NM_030632.3 (MANE Select); coding-DNA position 4316, A replaced by C.
Protein change: p.Lys1439Thr; replaces lysine 1439 with threonine.
Molecular consequence: missense variant.
Genome position (GRCh38, 1-based): chr18:33,744,164, A>C. VCF-style: chr18-33744164-A-C. GRCh37 (hg19) VCF-style: chr18-31324128-A-C.
Other names: short protein forms K1439T.
Identifiers: ClinVar variation 4822271 (VCV004822271.4).